The following is an entry in ClinVar:

ClinVar aggregate classification (germline): Benign/Likely benign. Review status: criteria provided, multiple submitters, no conflicts (2 of 4 stars). 4 submissions from 4 submitters: Benign (1); Likely benign (3). Last evaluated 2026-05-20.

Conditions:
Hereditary cancer-predisposing syndrome. Also called: Hereditary neoplastic syndrome; Neoplastic Syndromes, Hereditary; Hereditary Cancer Syndrome; Tumor predisposition. Identifiers: Orphanet 140162, MedGen C0027672, MeSH D009386, MONDO:0015356.
Cardiovascular phenotype. Identifiers: MedGen CN230736.
Neurofibromatosis, type 1 (NF1). Also called: Peripheral type neurofibromatosis; Neurofibromatosis, type I; VON RECKLINGHAUSEN DISEASE; NEUROFIBROMATOSIS, TYPE I, SOMATIC. Identifiers: Orphanet 636, MedGen C0027831, MONDO:0018975, OMIM 162200. Disease mechanism: loss of function.

Submissions (4):

Myriad Genetics, Inc.
Classification: Benign for Neurofibromatosis, type 1. Last evaluated: 2026-05-20. Review status: criteria provided, single submitter. Criteria: Myriad Autosomal Dominant, Autosomal Recessive and X-Linked Classification Criteria (2023). Collection method: clinical testing. Allele origin: unknown.
Comment: This variant is considered benign. This variant is a silent/synonymous amino acid change and it is not expected to impact splicing.

Labcorp Genetics (formerly Invitae), Labcorp
Classification: Likely benign for Neurofibromatosis, type 1. Last evaluated: 2025-10-23. Review status: criteria provided, single submitter. Criteria: Invitae Variant Classification Sherloc (09022015). Collection method: clinical testing. Allele origin: germline.

Genome-Nilou Lab
Classification: Likely benign for Neurofibromatosis, type 1. Last evaluated: 2022-03-15. Review status: criteria provided, single submitter. Criteria: ACMG Guidelines, 2015. Collection method: clinical testing. Allele origin: germline. Affected: no.

Ambry Genetics
Classification: Likely benign for Cardiovascular phenotype; Hereditary cancer-predisposing syndrome. Last evaluated: 2016-12-16. Review status: criteria provided, single submitter. Criteria: Ambry Variant Classification Scheme 2023. Collection method: clinical testing. Allele origin: germline.

NM_001042492.3(NF1):c.5946C>T (p.Thr1982=)

Gene: NF1 (neurofibromin 1; plus strand). Cytogenetic location: 17q11.2.
Variant type: single nucleotide variant.
Coding change: c.5946C>T on transcript NM_001042492.3 (MANE Select); coding-DNA position 5946, C replaced by T.
Protein change: p.Thr1982=; no amino-acid change (threonine 1982 retained).
Molecular consequence: synonymous variant.
Genome position (GRCh38, 1-based): chr17:31,334,971, C>T. VCF-style: chr17-31334971-C-T. GRCh37 (hg19) VCF-style: chr17-29661989-C-T.
Other names: c.5883C>T, p.Thr1961= (NM_000267.4).
Identifiers: ClinVar variation 481967 (VCV000481967.16), dbSNP rs1555534423, ClinGen allele CA499233796.